The following is an entry in ClinVar:

NM_006420.3(ARFGEF2):c.4583C>G (p.Ser1528Cys)

Gene: ARFGEF2 (ARF guanine nucleotide exchange factor 2; plus strand). Cytogenetic location: 20q13.13.
Variant type: single nucleotide variant.
Coding change: c.4583C>G on transcript NM_006420.3 (MANE Select); coding-DNA position 4583, C replaced by G.
Protein change: p.Ser1528Cys; replaces serine 1528 with cysteine.
Molecular consequence: missense variant.
Genome position (GRCh38, 1-based): chr20:49,018,957, C>G. VCF-style: chr20-49018957-C-G. GRCh37 (hg19) VCF-style: chr20-47635494-C-G.
Other names: c.4580C>G, p.Ser1527Cys (NM_001410846.1); short protein forms S1527C, S1528C.
Identifiers: ClinVar variation 2179533 (VCV002179533.4), dbSNP rs754882237, ClinGen allele CA9899259.
Genomic context (GRCh38, chr20:49,018,957, plus strand): 5'-ACCGCCAGTCTTTAAGCAGCATAGATAAAAATCCCTCTGAGAGGGGACAGAGCCAGCTCT[C>G]TAACCCAACAGATGACAGCTGGAAGGGTAGACCATACGCAAGTAAGGCCACTTTTTAATT-3'
Protein context (NP_006411.2, residues 1518-1538): NPSERGQSQL[Ser1528Cys]NPTDDSWKGR

ClinVar aggregate classification (germline): Uncertain significance (1 of 4 stars; one submission).

Allele frequency attached by ClinVar (database versions not stated): gnomAD exomes 0.00001; ExAC 0.00002.
gnomAD v4.1: 16 of 1,614,056 alleles (0.00099%); highest among the groups gnomAD compares: Admixed American, 0.0017%; no homozygotes.

Submission:

Labcorp Genetics (formerly Invitae), Labcorp
Classification: Uncertain significance. Last evaluated: 2022-04-12. Review status: criteria provided, single submitter. Criteria: Invitae Variant Classification Sherloc (09022015). Collection method: clinical testing. Allele origin: germline.
Comment: Algorithms developed to predict the effect of missense changes on protein structure and function are either unavailable or do not agree on the potential impact of this missense change (SIFT: "Tolerated"; PolyPhen-2: "Possibly Damaging"; Align-GVGD: "Class C0"). In summary, the available evidence is currently insufficient to determine the role of this variant in disease. Therefore, it has been classified as a Variant of Uncertain Significance. This variant has not been reported in the literature in individuals affected with ARFGEF2-related conditions. This variant is present in population databases (rs754882237, gnomAD 0.002%). This sequence change replaces serine, which is neutral and polar, with cysteine, which is neutral and slightly polar, at codon 1528 of the ARFGEF2 protein (p.Ser1528Cys).